The following is an entry in ClinVar:

NM_004360.5(CDH1):c.888C>T (p.Tyr296=)

Gene: CDH1 (cadherin 1; plus strand). Cytogenetic location: 16q22.1.
Variant type: single nucleotide variant.
Coding change: c.888C>T on transcript NM_004360.5 (MANE Select); coding-DNA position 888, C replaced by T.
Protein change: p.Tyr296=; no amino-acid change (tyrosine 296 retained).
Molecular consequence: synonymous variant. On other transcripts: 5 prime UTR variant (2).
Genome position (GRCh38, 1-based): chr16:68,811,739, C>T. VCF-style: chr16-68811739-C-T. GRCh37 (hg19) VCF-style: chr16-68845642-C-T.
Other names: c.888C>T, p.Tyr296= (NM_001317184.2); c.-728C>T (NM_001317185.2); c.-932C>T (NM_001317186.2).
Identifiers: ClinVar variation 3378445 (VCV003378445.1).

ClinVar aggregate classification (germline): Benign (1 of 4 stars; one submission).

Conditions:
Hereditary diffuse gastric adenocarcinoma (HDGC). Also called: DIFFUSE GASTRIC AND LOBULAR BREAST CANCER SYNDROME. Identifiers: Orphanet 26106, MedGen C1708349, MONDO:0007648, OMIM 137215.

gnomAD v4.1: 1 of 1,614,114 alleles (0.000062%); highest among the groups gnomAD compares: Middle Eastern, 0.016%; no homozygotes.

Submission:

Myriad Genetics, Inc.
Classification: Benign for Hereditary diffuse gastric adenocarcinoma. Last evaluated: 2024-09-16. Review status: criteria provided, single submitter. Criteria: Myriad Autosomal Dominant, Autosomal Recessive and X-Linked Classification Criteria (2023). Collection method: clinical testing. Allele origin: unknown.
Comment: This variant is considered benign. This variant is a silent/synonymous amino acid change and it is not expected to impact splicing.